The following is an entry in ClinVar:

ClinVar aggregate classification (germline): Pathogenic (1 of 4 stars; one submission).

Conditions:
Ataxia-telangiectasia syndrome (AT). Also called: AT, COMPLEMENTATION GROUP C; ATAXIA-TELANGIECTASIA, COMPLEMENTATION GROUP A; ATAXIA-TELANGIECTASIA, FRESNO VARIANT; Ataxia-telangiectasia; Ataxia-telangiectasia, complementation group D; Ataxia-telangiectasia, complementation group E. Identifiers: Orphanet 100, MedGen C0004135, MONDO:0008840, OMIM 208900.

Submission:

Labcorp Genetics (formerly Invitae), Labcorp
Classification: Pathogenic for Ataxia-telangiectasia syndrome. Last evaluated: 2023-09-10. Review status: criteria provided, single submitter. Criteria: Invitae Variant Classification Sherloc (09022015). Collection method: clinical testing. Allele origin: germline.
Comment: For these reasons, this variant has been classified as Pathogenic. This premature translational stop signal has been observed in individual(s) with breast cancer (PMID: 32068069). This variant is not present in population databases (gnomAD no frequency). This sequence change creates a premature translational stop signal (p.Glu1133*) in the ATM gene. It is expected to result in an absent or disrupted protein product. Loss-of-function variants in ATM are known to be pathogenic (PMID: 23807571, 25614872).

Literature cited by the submitters: PubMed 32068069; PubMed 23807571; PubMed 25614872.

NM_000051.4(ATM):c.3397G>T (p.Glu1133Ter)

Gene: ATM (ATM serine/threonine kinase; plus strand). Cytogenetic location: 11q22.3.
Variant type: single nucleotide variant.
Coding change: c.3397G>T on transcript NM_000051.4 (MANE Select); coding-DNA position 3397, G replaced by T.
Protein change: p.Glu1133Ter; replaces glutamic acid 1133 with a stop codon.
Molecular consequence: nonsense.
Genome position (GRCh38, 1-based): chr11:108,279,603, G>T. VCF-style: chr11-108279603-G-T. GRCh37 (hg19) VCF-style: chr11-108150330-G-T.
Other names: c.3397G>T, p.Glu1133Ter (NM_001351834.2); short protein forms E1133*.
Identifiers: ClinVar variation 2982302 (VCV002982302.3), dbSNP rs2135645607, ClinGen allele CA382517858.